The following is an entry in ClinVar:

ClinVar aggregate classification (germline): Uncertain significance (1 of 4 stars; one submission).

Submission:

Labcorp Genetics (formerly Invitae), Labcorp
Classification: Uncertain significance. Last evaluated: 2022-04-20. Review status: criteria provided, single submitter. Criteria: Invitae Variant Classification Sherloc (09022015). Collection method: clinical testing. Allele origin: germline.
Comment: This sequence change replaces glycine, which is neutral and non-polar, with arginine, which is basic and polar, at codon 2673 of the LAMA5 protein (p.Gly2673Arg). This variant is not present in population databases (gnomAD no frequency). This variant has not been reported in the literature in individuals affected with LAMA5-related conditions. Algorithms developed to predict the effect of missense changes on protein structure and function are either unavailable or do not agree on the potential impact of this missense change (SIFT: "Tolerated"; PolyPhen-2: "Possibly Damaging"; Align-GVGD: "Class C0"). In summary, the available evidence is currently insufficient to determine the role of this variant in disease. Therefore, it has been classified as a Variant of Uncertain Significance.

NM_005560.6(LAMA5):c.8017G>C (p.Gly2673Arg)

Gene: LAMA5 (laminin subunit alpha 5; minus strand). Cytogenetic location: 20q13.33.
Variant type: single nucleotide variant.
Coding change: c.8017G>C on transcript NM_005560.6 (MANE Select); coding-DNA position 8017, G replaced by C.
Protein change: p.Gly2673Arg; replaces glycine 2673 with arginine.
Molecular consequence: missense variant.
Genome position (GRCh38, 1-based): chr20:62,315,058, C>G on the plus strand (G>C on the coding strand, the complement: LAMA5 is on the minus strand). VCF-style: chr20-62315058-C-G. GRCh37 (hg19) VCF-style: chr20-60890114-C-G.
Other names: short protein forms G2673R.
Identifiers: ClinVar variation 2087438 (VCV002087438.4), dbSNP rs1312309000, ClinGen allele CA409550041.